The following is an entry in ClinVar:

NM_001163435.3(TBCK):c.803_806del (p.Met268fs)

Gene: TBCK (TBC1 domain containing kinase; minus strand). Cytogenetic location: 4q24.
Variant type: Deletion.
Coding change: c.803_806del on transcript NM_001163435.3 (MANE Select); coding-DNA positions 803 to 806, 4 bases deleted (TGAA; older notation c.803_806delTGAA).
Protein change: p.Met268fs; shifts the reading frame from methionine 268.
Molecular consequence: frameshift variant.
Genome position (GRCh38, 1-based): chr4:106,247,264-106,247,267, TTCA deleted on the plus strand (TGAA on the coding strand, the reverse complement: TBCK is on the minus strand); deleting any 4 consecutive bases within chr4:106,247,264-106,247,269 gives the same sequence; the c. name uses the placement nearest the transcript's 3' end. VCF-style (leftmost placement, unchanged base first): chr4-106247263-CTTCA-C. GRCh37 (hg19) VCF-style: chr4-107168420-CTTCA-C.
Other names: NM_001163435.3(TBCK):c.803_806del; p.Met268fs; c.803_806delTGAA (NM_001163435.2); c.803_806del, p.Met268fs (NM_001163436.4); c.686_689del, p.Met229fs (NM_001163437.3); c.287_290del, p.Met96fs (NM_001290768.2); c.614_617del, p.Met205fs (NM_033115.5); short protein forms M205fs, M229fs, M268fs, M96fs.
Identifiers: ClinVar variation 225240 (VCV000225240.52), dbSNP rs771481304, ClinGen allele CA358807.
Genomic context (GRCh38, chr4:106,247,263, plus strand): 5'-CAGACTGGCAGGTTTGGTAAAGGGGGTATATAAAGGTGATACCTCACTGAATACTTTGTC[CTTCA>C]TTAATTGATCTGGGGTTGGCCTTGAGAACATTTAAAATACAGAGCATGAATGAAAGTCAT-3'

ClinVar aggregate classification (germline): Pathogenic. Review status: criteria provided, multiple submitters, no conflicts (2 of 4 stars). 8 submissions from 8 submitters: Pathogenic (7). 1 of the submissions does not count toward it. Last evaluated 2026-01-12.

Conditions:
Hypotonia, infantile, with psychomotor retardation and characteristic facies 3 (IHPRF3). Also called: TBCK-Related Neurodevelopmental Disorder. Identifiers: Orphanet 488632, MedGen C5567480, MONDO:0014823, OMIM 616900.
TBCK-related disorder. Also called: TBCK-related disorders; TBCK-related condition.
Hypotonia, infantile, with psychomotor retardation and characteristic facies 1 (INNFD). Identifiers: Orphanet 371364, Orphanet 700336, MedGen C3809454, MONDO:0024567, OMIM 615419.

Submissions (8):

Labcorp Genetics (formerly Invitae), Labcorp
Classification: Pathogenic. Last evaluated: 2026-01-12. Review status: criteria provided, single submitter. Criteria: Invitae Variant Classification Sherloc (09022015). Collection method: clinical testing. Allele origin: germline.
Comment: This sequence change creates a premature translational stop signal (p.Met268Argfs*26) in the TBCK gene. It is expected to result in an absent or disrupted protein product. Loss-of-function variants in TBCK are known to be pathogenic (PMID: 27040692, 30103036). This variant is present in population databases (rs771481304, gnomAD 0.01%). This premature translational stop signal has been observed in individual(s) with autosomal recessive infantile hypotonia with intellectual disability and characteristic facies (PMID: 27040691, 27275012). In at least one individual the data is consistent with being in trans (on the opposite chromosome) from a pathogenic variant. It has also been observed to segregate with disease in related individuals. This variant is also known as c.614_617del. ClinVar contains an entry for this variant (Variation ID: 225240). For these reasons, this variant has been classified as Pathogenic.

Broad Center for Mendelian Genomics, Broad Institute of MIT and Harvard
Classification: Pathogenic for Hypotonia, infantile, with psychomotor retardation and characteristic facies 3. Last evaluated: 2025-01-14. Review status: criteria provided, single submitter. Criteria: ACMG Guidelines, 2015. Collection method: curation. Allele origin: germline. Inheritance: Autosomal recessive inheritance.
Comment: The p.Met268ArgfsTer26 variant in TBCK has been reported in two individuals with TBCK-related intellectual disability syndrome (PMID: 27275012, 27040691), segregated with disease in three affected relatives from 2 families (PMID: 27275012, 27040691), and has been identified in 0.02% (258/1178650) of European (non-Finnish) chromosomes by the Genome Aggregation Database (gnomAD; dbSNP ID: rs1274040257). Although this variant has been seen in the general population in a heterozygous state, its frequency is not high enough to rule out a pathogenic role. This variant has also been reported in ClinVar (Variation ID: 225240) and has been interpreted as pathogenic by OMIM, Invitae, GeneDx, Laboratorio de Genetica e Diagnostico Molecular (Hospital Israelita Albert Einstein), and CeGaT Center for Human Genetics Tuebingen. Of the two affected individuals, one of those was a homozygote, which increases the likelihood that the p.Met268ArgfsTer26 variant is pathogenic (PMID: 27275012). This variant is predicted to cause a frameshift, which alters the protein‚Äôs amino acid sequence beginning at position 268 and leads to a premature termination codon 26 amino acids downstream. This alteration is then predicted to lead to a truncated or absent protein. Loss of function of the TBCK gene is an established disease mechanism in autosomal recessive TBCK-related intellectual disability syndrome. In summary, this variant meets criteria to be classified as pathogenic for autosomal recessive TBCK-related intellectual disability syndrome. ACMG/AMP Criteria applied: PVS1, PP1, PM3_supporting (Richards 2015).

GeneDx
Classification: Pathogenic. Last evaluated: 2024-07-10. Review status: criteria provided, single submitter. Criteria: GeneDx Variant Classification Process June 2021. Collection method: clinical testing. Allele origin: germline. Affected: yes.
Comment: Observed in homozygous state (reported as c.614_617delTGAA due to alternate nomenclature) and compound heterozygous state in multiple patients with clinical features consistent with TBCK-related neurodevelopmental disorder referred for genetic testing at GeneDx and in published literature (PMID: 27275012, 27040691); Frameshift variant predicted to result in protein truncation or nonsense mediated decay in a gene for which loss of function is a known mechanism of disease; This variant is associated with the following publications: (PMID: 27040691, 27275012, 33240423)

Blueprint Genetics
Classification: Pathogenic for TBCK-related disorders. Last evaluated: 2024-01-12. Review status: criteria provided, single submitter. Criteria: ACMG Guidelines, 2015. Collection method: clinical testing. Allele origin: germline. Affected: yes. Observed: 3 variant alleles.

Victorian Clinical Genetics Services, Murdoch Childrens Research Institute
Classification: Pathogenic for Hypotonia, infantile, with psychomotor retardation and characteristic facies 3. Last evaluated: 2023-12-21. Review status: criteria provided, single submitter. Criteria: ACMG Guidelines, 2015. Collection method: clinical testing. Allele origin: germline. Inheritance: Autosomal recessive inheritance. Affected: yes.
Comment: Based on the classification scheme VCGS_Germline_v1.3.4, this variant is classified as Pathogenic. Following criteria are met: 0102 - Loss of function is a known mechanism of disease in this gene and is associated with hypotonia, infantile, with psychomotor retardation and characteristic facies 3 (MIM#616900). (I) 0106 - This gene is associated with autosomal recessive disease. (I) 0201 - Variant is predicted to cause nonsense-mediated decay (NMD) and loss of protein (premature termination codon is located at least 54 nucleotides upstream of the final exon-exon junction). (SP) 0252 - This variant is homozygous. (I) 0304 - Variant is present in gnomAD (v2) <0.01 for a recessive condition (17 heterozygotes, 0 homozygotes). (SP) 0701 - Other NMD predicted variants comparable to the one identified in this case have very strong previous evidence for pathogenicity (DECIPHER). (SP) 0801 - This variant has strong previous evidence of pathogenicity in unrelated individuals. This variant has been classified as pathogenic by clinical laboratories in ClinVar, and has been observed as compound heterozygous in two siblings and another unrelated individual with TBCK-related conditions (DECIPHER, PMID: 27040691). (SP) 1208 - Inheritance information for this variant is not currently available in this individual. (I) Legend: (SP) - Supporting pathogenic, (I) - Information, (SB) - Supporting benign

Laboratorio de Genetica e Diagnostico Molecular, Hospital Israelita Albert Einstein
Classification: Pathogenic for Hypotonia, infantile, with psychomotor retardation and characteristic facies 3. Last evaluated: 2022-04-08. Review status: criteria provided, single submitter. Criteria: ACMG Guidelines, 2015. Collection method: clinical testing. Allele origin: germline. Affected: yes. Observed: 1 variant allele.
Comment: ACMG classification criteria: PVS1 very strong, PS4 strong, PM2 moderated, PM3 moderated, PP1 strong

CeGaT Center for Human Genetics Tuebingen
Classification: Pathogenic. Last evaluated: 2021-02-01. Review status: criteria provided, single submitter. Criteria: CeGaT Center For Human Genetics Tuebingen Variant Classification Criteria Version 2. Collection method: clinical testing. Allele origin: germline. Affected: yes. Observed: 2 variant alleles.

OMIM
Classification: Pathogenic for HYPOTONIA, INFANTILE, WITH PSYCHOMOTOR RETARDATION AND CHARACTERISTIC FACIES 3. Last evaluated: 2016-05-19. Review status: no assertion criteria provided. Collection method: literature only. Allele origin: germline. Not counted in ClinVar's aggregate classification.

Literature cited by the submitters: PubMed 27040692 (cited by Labcorp Genetics (formerly Invitae), Labcorp); PubMed 30103036 (cited by Labcorp Genetics (formerly Invitae), Labcorp); PubMed 27040691 (cited by 3 submitters); PubMed 27275012 (cited by Labcorp Genetics (formerly Invitae), Labcorp).